The following is an entry in ClinVar:

ClinVar aggregate classification (germline): Benign. Review status: criteria provided, multiple submitters, no conflicts (2 of 4 stars). 3 submissions from 3 submitters: Benign (2). 1 of the submissions does not count toward it. Last evaluated 2026-02-04.

Conditions:
LARS1-related disorder. Also called: LARS1-related condition.

Allele frequency attached by ClinVar (database versions not stated): 1000 Genomes Project 0.04253; 1000 Genomes Project 30x 0.04341; gnomAD exomes 0.05755 and 0.06603; ExAC 0.05839; TOPMed 0.06106; gnomAD 0.06139 and 0.06243; ESP Exome Variant Server 0.06806.
gnomAD v4.1: 105,511 of 1,606,700 alleles (6.6%); highest among the groups gnomAD compares: Non-Finnish European, 7.1%; 3,925 homozygotes.

Submissions (3):

Labcorp Genetics (formerly Invitae), Labcorp
Classification: Benign. Last evaluated: 2026-02-04. Review status: criteria provided, single submitter. Criteria: Invitae Variant Classification Sherloc (09022015). Collection method: clinical testing. Allele origin: germline.

GeneDx
Classification: Benign. Last evaluated: 2013-11-15. Review status: criteria provided, single submitter. Criteria: GeneDx Variant Classification (06012015). Collection method: clinical testing. Allele origin: germline. Affected: yes.
Comment: This variant is considered likely benign or benign based on one or more of the following criteria: it is a conservative change, it occurs at a poorly conserved position in the protein, it is predicted to be benign by multiple in silico algorithms, and/or has population frequency not consistent with disease.

PreventionGenetics, part of Exact Sciences
Classification: Benign for LARS1-related condition. Last evaluated: 2019-11-15. Review status: no assertion criteria provided. Collection method: clinical testing. Allele origin: germline. Not counted in ClinVar's aggregate classification.
Comment: This variant is classified as benign based on ACMG/AMP sequence variant interpretation guidelines (Richards et al. 2015 PMID: 25741868, with internal and published modifications).

NM_020117.11(LARS1):c.2889C>T (p.Asn963=)

Gene: LARS1 (leucyl-tRNA synthetase 1; minus strand). Cytogenetic location: 5q32.
Variant type: single nucleotide variant.
Coding change: c.2889C>T on transcript NM_020117.11 (MANE Select); coding-DNA position 2889, C replaced by T.
Protein change: p.Asn963=; no amino-acid change (asparagine 963 retained).
Molecular consequence: synonymous variant.
Genome position (GRCh38, 1-based): chr5:146,126,537, G>A on the plus strand (C>T on the coding strand, the complement: LARS1 is on the minus strand). VCF-style: chr5-146126537-G-A. GRCh37 (hg19) VCF-style: chr5-145506100-G-A.
Other names: p.N963N:AAC>AAT; c.2751C>T, p.Asn917= (NM_001317964.2); c.2727C>T, p.Asn909= (NM_001317965.2); c.2808C>T, p.Asn936= (NM_016460.4); c.2889C>T (NM_020117.10).
Identifiers: ClinVar variation 138098 (VCV000138098.11), dbSNP rs11540216, ClinGen allele CA291903.